The following is an entry in ClinVar:

ClinVar aggregate classification (germline): Uncertain significance (1 of 4 stars; one submission).

Conditions:
Autosomal dominant limb-girdle muscular dystrophy type 1G (LGMDD3). Also called: Limb-girdle muscular dystrophy, type 1G; MUSCULAR DYSTROPHY, LIMB-GIRDLE, AUTOSOMAL DOMINANT 3. Identifiers: Orphanet 55596, MedGen C1836765, MONDO:0012193, OMIM 609115.

Submission:

Labcorp Genetics (formerly Invitae), Labcorp
Classification: Uncertain significance for Autosomal dominant limb-girdle muscular dystrophy type 1G. Last evaluated: 2025-04-07. Review status: criteria provided, single submitter. Criteria: Invitae Variant Classification Sherloc (09022015). Collection method: clinical testing. Allele origin: germline.
Comment: This sequence change replaces phenylalanine, which is neutral and non-polar, with leucine, which is neutral and non-polar, at codon 90 of the HNRNPDL protein (p.Phe90Leu). This variant is not present in population databases (gnomAD no frequency). This variant has not been reported in the literature in individuals affected with HNRNPDL-related conditions. ClinVar contains an entry for this variant (Variation ID: 2415614). An algorithm developed to predict the effect of missense changes on protein structure and function (PolyPhen-2) suggests that this variant is likely to be tolerated. In summary, the available evidence is currently insufficient to determine the role of this variant in disease. Therefore, it has been classified as a Variant of Uncertain Significance.

NM_031372.4(HNRNPDL):c.270T>G (p.Phe90Leu)

Gene: HNRNPDL (heterogeneous nuclear ribonucleoprotein D like; minus strand). Cytogenetic location: 4q21.22.
Variant type: single nucleotide variant.
Coding change: c.270T>G on transcript NM_031372.4 (MANE Select); coding-DNA position 270, T replaced by G.
Protein change: p.Phe90Leu; replaces phenylalanine 90 with leucine.
Molecular consequence: missense variant. On other transcripts: non-coding transcript variant (1).
Genome position (GRCh38, 1-based): chr4:82,429,421, A>C on the plus strand (T>G on the coding strand, the complement: HNRNPDL is on the minus strand). VCF-style: chr4-82429421-A-C. GRCh37 (hg19) VCF-style: chr4-83350574-A-C.
Other names: c.270T>G, p.Phe90Leu (NM_001207000.1); short protein forms F90L.
Identifiers: ClinVar variation 2415614 (VCV002415614.5), dbSNP rs777344257, ClinGen allele CA357172686.
Genomic context (GRCh38, chr4:82,429,421, plus strand): 5'-CTGGCGCGCAGTCCGGGTCGCGGCAGCAGCGGCGGCGGAGCGTTGTATGGAGCTGGATTT[A>C]AAATGGCGGCGGAAGAGATCCGGGCGCCGCCTGCGCCCTCCCTTTATAGCCGCCCCGCCC-3'
Protein context (NP_112740.1, residues 80-100): RRRPDLFRRH[Phe90Leu]KSSSIQRSAA